The following is an entry in ClinVar:

ClinVar aggregate classification (germline): Uncertain significance (1 of 4 stars; one submission).

Conditions:
Chilton-Okur-Chung neurodevelopmental syndrome (CHOCNS). Identifiers: MedGen C5677022, MONDO:0859239, OMIM 619841.

Submission:

Laboratorio de Genetica e Diagnostico Molecular, Hospital Israelita Albert Einstein
Classification: Uncertain significance for Chilton-Okur-Chung neurodevelopmental syndrome. Last evaluated: 2024-01-21. Review status: criteria provided, single submitter. Criteria: ACMG Guidelines, 2015. Collection method: clinical testing. Allele origin: germline. Affected: yes.
Comment: ACMG classification criteria: PM2 moderate, PP2 supporting, BP4 supporting

NM_006035.4(CDC42BPB):c.4864C>T (p.Pro1622Ser)

Gene: CDC42BPB (CDC42 binding protein kinase beta; minus strand). Cytogenetic location: 14q32.32.
Variant type: single nucleotide variant.
Coding change: c.4864C>T on transcript NM_006035.4 (MANE Select); coding-DNA position 4864, C replaced by T.
Protein change: p.Pro1622Ser; replaces proline 1622 with serine.
Molecular consequence: missense variant.
Genome position (GRCh38, 1-based): chr14:102,938,375, G>A on the plus strand (C>T on the coding strand, the complement: CDC42BPB is on the minus strand). VCF-style: chr14-102938375-G-A. GRCh37 (hg19) VCF-style: chr14-103404712-G-A.
Other names: c.4786C>T, p.Pro1596Ser (NM_001411054.1); short protein forms P1596S, P1622S.
Identifiers: ClinVar variation 3902054 (VCV003902054.1).